The following is an entry in ClinVar:

NM_001943.5(DSG2):c.2666C>A (p.Pro889Gln)

Genes: DSG2 (desmoglein 2; plus strand), DSG2-AS1 (DSG2 antisense RNA 1; minus strand). Cytogenetic location: 18q12.1.
Variant type: single nucleotide variant.
Coding change: c.2666C>A on transcript NM_001943.5 (MANE Select); coding-DNA position 2666, C replaced by A.
Protein change: p.Pro889Gln; replaces proline 889 with glutamine.
Molecular consequence: missense variant.
Genome position (GRCh38, 1-based): chr18:31,546,052, C>A. VCF-style: chr18-31546052-C-A. GRCh37 (hg19) VCF-style: chr18-29126015-C-A.
Other names: short protein forms P889Q.
Identifiers: ClinVar variation 3074644 (VCV003074644.1), dbSNP rs2144359792, ClinGen allele CA402145973.

ClinVar aggregate classification (germline): Uncertain significance (1 of 4 stars; one submission).

Conditions:
Arrhythmogenic right ventricular cardiomyopathy (ARVD). Also called: Arrhythmogenic right ventricular dysplasia; Cardiomyopathy, ARVC; Arrhythmogenic cardiomyopathy; Arrhythmogenic Right Ventricular Cardiomyopathy (ARVC). Identifiers: Orphanet 247, MedGen C0349788, MeSH D019571, MONDO:0016587. Disease mechanism: loss of function. Inheritance: Various modes of inheritance.

Submission:

All of Us Research Program, National Institutes of Health
Classification: Uncertain significance for Arrhythmogenic right ventricular cardiomyopathy. Last evaluated: 2023-11-20. Review status: criteria provided, single submitter. Criteria: ACMG Guidelines, 2015. Collection method: clinical testing. Allele origin: germline. Inheritance: Autosomal dominant inheritance. Observed: 1 variant allele, 1 heterozygote.
Comment: This missense variant replaces proline with glutamine at codon 889 of the DSG2 protein. Computational prediction suggests that this variant may not impact protein structure and function (internally defined REVEL score threshold <= 0.5, PMID: 27666373). To our knowledge, functional studies have not been reported for this variant. This variant has not been reported in individuals affected with DSG2-related disorders in the literature. This variant has not been identified in the general population by the Genome Aggregation Database (gnomAD). The available evidence is insufficient to determine the role of this variant in disease conclusively. Therefore, this variant is classified as a Variant of Uncertain Significance.

This study involves interpretation of variants in research participants for the purpose of population health screening. Participant phenotype was not available at the time of variant classification. Additional details can be found in publication PMID: 35346344, PMCID: PMC8962531